The following is an entry in ClinVar:

ClinVar aggregate classification (germline): Uncertain significance (1 of 4 stars; one submission).

Conditions:
Leber congenital amaurosis 4 (LCA4). Identifiers: MedGen C1858386, MONDO:0011458, OMIM 604393.

Submission:

Labcorp Genetics (formerly Invitae), Labcorp
Classification: Uncertain significance for Leber congenital amaurosis 4. Last evaluated: 2024-01-18. Review status: criteria provided, single submitter. Criteria: Invitae Variant Classification Sherloc (09022015). Collection method: clinical testing. Allele origin: germline.
Comment: This sequence change replaces proline, which is neutral and non-polar, with serine, which is neutral and polar, at codon 378 of the AIPL1 protein (p.Pro378Ser). This variant is not present in population databases (gnomAD no frequency). This variant has not been reported in the literature in individuals affected with AIPL1-related conditions. Algorithms developed to predict the effect of missense changes on protein structure and function output the following: SIFT: "Not Available"; PolyPhen-2: "Not Available"; Align-GVGD: "Not Available". The serine amino acid residue is found in multiple mammalian species, which suggests that this missense change does not adversely affect protein function. In summary, the available evidence is currently insufficient to determine the role of this variant in disease. Therefore, it has been classified as a Variant of Uncertain Significance.

NM_014336.5(AIPL1):c.1132C>T (p.Pro378Ser)

Gene: AIPL1 (AIP like 1 HSP90 co-chaperone; minus strand). Cytogenetic location: 17p13.2.
Variant type: single nucleotide variant.
Coding change: c.1132C>T on transcript NM_014336.5 (MANE Select); coding-DNA position 1132, C replaced by T.
Protein change: p.Pro378Ser; replaces proline 378 with serine.
Molecular consequence: missense variant. On other transcripts: 3 prime UTR variant (1).
Genome position (GRCh38, 1-based): chr17:6,425,483, G>A on the plus strand (C>T on the coding strand, the complement: AIPL1 is on the minus strand). VCF-style: chr17-6425483-G-A. GRCh37 (hg19) VCF-style: chr17-6328803-G-A.
Other names: c.943C>T, p.Pro315Ser (NM_001033054.3); c.952C>T, p.Pro318Ser (NM_001033055.3); c.1096C>T, p.Pro366Ser (NM_001285399.3); c.1066C>T, p.Pro356Ser (NM_001285400.3); c.1060C>T, p.Pro354Ser (NM_001285401.3); c.1015C>T, p.Pro339Ser (NM_001285402.2); c.*1103C>T (NM_001285403.4); short protein forms P356S, P378S, P354S, P315S, P318S, P339S, P366S.
Identifiers: ClinVar variation 2856542 (VCV002856542.3), dbSNP rs2543874571, ClinGen allele CA397394204.